The following is an entry in ClinVar:

ClinVar aggregate classification (germline): Uncertain significance/Uncertain risk allele. Review status: criteria provided, multiple submitters, no conflicts (2 of 4 stars). 2 submissions from 2 submitters: Uncertain significance (1); Uncertain risk allele (1). Last evaluated 2016-06-02.

Conditions:
Maturity-onset diabetes of the young (MODY). Also called: Maturity onset diabetes mellitus in young. Identifiers: Orphanet 552, MedGen C0342276, MONDO:0018911, HP:0004904.

Submissions (2):

Eurofins Ntd Llc (ga)
Classification: Uncertain significance. Last evaluated: 2016-06-02. Review status: criteria provided, single submitter. Criteria: EGL Classification Definitions 2015. Collection method: clinical testing. Allele origin: germline. Observed: 1 variant allele, 1 heterozygote.

Clinical Genomics, Uppaluri K&H Personalized Medicine Clinic
Classification: Uncertain risk allele for Maturity-onset diabetes of the young. Review status: criteria provided, single submitter. Criteria: K & H Uppaluri Personalized Medicine Clinic Variant Classification & Assertion Criteria_Updated V.1. Collection method: research. Allele origin: unknown. Inheritance: Autosomal dominant inheritance.
Comment: HNF1B gene mutations are associated with early onset diabetes and pancreatic atrophy. It is also associated with multiple renal manifestations including renal cysts, Tubulointerstitial disease, glomerulocystic disease, renal hypoplasia, hypomagnesemia. However no sufficient evidence is found to ascertain the role of this particular variant rs886043903, yet.

Literature cited by the submitters: PubMed 24897035 (cited by Clinical Genomics, Uppaluri K&H Personalized Medicine Clinic); PubMed 25536396 (cited by Clinical Genomics, Uppaluri K&H Personalized Medicine Clinic); PubMed 27615128 (cited by Clinical Genomics, Uppaluri K&H Personalized Medicine Clinic); PubMed 28215227 (cited by Clinical Genomics, Uppaluri K&H Personalized Medicine Clinic); PubMed 33434175 (cited by Clinical Genomics, Uppaluri K&H Personalized Medicine Clinic); PubMed 25741167 (cited by Clinical Genomics, Uppaluri K&H Personalized Medicine Clinic); PubMed 26340261 (cited by Clinical Genomics, Uppaluri K&H Personalized Medicine Clinic); PubMed 19639018 (cited by Clinical Genomics, Uppaluri K&H Personalized Medicine Clinic).

NM_000458.4(HNF1B):c.479T>G (p.Met160Arg)

Gene: HNF1B (HNF1 homeobox B; minus strand). Cytogenetic location: 17q12.
Variant type: single nucleotide variant.
Coding change: c.479T>G on transcript NM_000458.4 (MANE Select); coding-DNA position 479, T replaced by G.
Protein change: p.Met160Arg; replaces methionine 160 with arginine.
Molecular consequence: missense variant.
Genome position (GRCh38, 1-based): chr17:37,739,505, A>C on the plus strand (T>G on the coding strand, the complement: HNF1B is on the minus strand). VCF-style: chr17-37739505-A-C. GRCh37 (hg19) VCF-style: chr17-36099496-A-C.
Other names: c.479T>G, p.Met160Arg (NM_001165923.4, NM_001304286.2); short protein forms M160R.
Identifiers: ClinVar variation 288453 (VCV000288453.6), dbSNP rs886043903, ClinGen allele CA10606095.
Genomic context (GRCh38, chr17:37,739,505, plus strand): 5'-AGGATCTCTCGTTGCTTTCTGACGTACCAGGTGTACAGAGCGGCACGCTTCTGGGTCTTC[A>C]TAGGGGTGCCCTTGTTGAGATGCTGGGAGAGGTGCGACTGGTTCAGGCCGGTGACATCGA-3'
Protein context (NP_000449.1, residues 150-170): LSQHLNKGTP[Met160Arg]KTQKRAALYT